The following is an entry in ClinVar:

NM_020461.4(TUBGCP6):c.3218C>T (p.Thr1073Ile)

Gene: TUBGCP6 (tubulin gamma complex component 6; minus strand). Cytogenetic location: 22q13.33.
Variant type: single nucleotide variant.
Coding change: c.3218C>T on transcript NM_020461.4 (MANE Select); coding-DNA position 3218, C replaced by T.
Protein change: p.Thr1073Ile; replaces threonine 1073 with isoleucine.
Molecular consequence: missense variant.
Genome position (GRCh38, 1-based): chr22:50,221,141, G>A on the plus strand (C>T on the coding strand, the complement: TUBGCP6 is on the minus strand). VCF-style: chr22-50221141-G-A. GRCh37 (hg19) VCF-style: chr22-50659570-G-A.
Other names: short protein forms T1073I.
Identifiers: ClinVar variation 2050206 (VCV002050206.4), dbSNP rs2519136408, ClinGen allele CA412184269.

ClinVar aggregate classification (germline): Uncertain significance (1 of 4 stars; one submission).

Submission:

Labcorp Genetics (formerly Invitae), Labcorp
Classification: Uncertain significance. Last evaluated: 2022-07-12. Review status: criteria provided, single submitter. Criteria: Invitae Variant Classification Sherloc (09022015). Collection method: clinical testing. Allele origin: germline.
Comment: In summary, the available evidence is currently insufficient to determine the role of this variant in disease. Therefore, it has been classified as a Variant of Uncertain Significance. Algorithms developed to predict the effect of missense changes on protein structure and function are either unavailable or do not agree on the potential impact of this missense change (SIFT: "Tolerated"; PolyPhen-2: "Possibly Damaging"; Align-GVGD: "Class C0"). This variant has not been reported in the literature in individuals affected with TUBGCP6-related conditions. This variant is not present in population databases (gnomAD no frequency). This sequence change replaces threonine, which is neutral and polar, with isoleucine, which is neutral and non-polar, at codon 1073 of the TUBGCP6 protein (p.Thr1073Ile).